The following is an entry in ClinVar:

ClinVar aggregate classification (germline): Uncertain significance (1 of 4 stars; one submission).

Conditions:
Striatonigral degeneration, childhood-onset (SNDC). Also called: LENK-PLOSKI SYNDROME. Identifiers: Orphanet 497906, MedGen C4310743, MONDO:0014889, OMIM 617054.

Submission:

Baylor Genetics
Classification: Uncertain significance for Striatonigral degeneration, childhood-onset. Last evaluated: 2020-08-11. Review status: criteria provided, single submitter. Criteria: ACMG Guidelines, 2015. Collection method: clinical testing. Allele origin: unknown. Affected: yes.
Comment: This variant was determined to be of uncertain significance according to ACMG Guidelines, 2015 [PMID:25741868].

NM_018052.5(VAC14):c.2015T>C (p.Ile672Thr)

Gene: VAC14 (VAC14 component of PIKFYVE complex; minus strand). Cytogenetic location: 16q22.1.
Variant type: single nucleotide variant.
Coding change: c.2015T>C on transcript NM_018052.5 (MANE Select); coding-DNA position 2015, T replaced by C.
Protein change: p.Ile672Thr; replaces isoleucine 672 with threonine.
Molecular consequence: missense variant.
Genome position (GRCh38, 1-based): chr16:70,695,564, A>G on the plus strand (T>C on the coding strand, the complement: VAC14 is on the minus strand). VCF-style: chr16-70695564-A-G. GRCh37 (hg19) VCF-style: chr16-70729467-A-G.
Other names: c.1313T>C, p.Ile438Thr (NM_001351157.2); short protein forms I438T, I672T.
Identifiers: ClinVar variation 1030622 (VCV001030622.1), dbSNP rs754998135, ClinGen allele CA396589150.